The following continues an entry in ClinVar:

NM_000038.6(APC):c.3949G>C (p.Glu1317Gln)

Gene: APC. ClinVar aggregate classification (germline): Benign/Likely benign. Benign (17); Likely benign (4).

Submissions 27 to 30 of 30:

Biesecker Lab/Clinical Genomics Section, National Institutes of Health
Classification: Benign. Last evaluated: 2012-07-13. Review status: no assertion criteria provided. Collection method: research. Allele origin: germline. Affected: no. Observed: 11 variant alleles. Study: ClinSeq. Not counted in ClinVar's aggregate classification.
ClinVar note: Converted during submission from no known pathogenicity to Benign.

OMIM
Classification: Pathogenic for FAMILIAL ADENOMATOUS POLYPOSIS 1, ATTENUATED. Last evaluated: 2000-09-22. Review status: no assertion criteria provided. Collection method: literature only. Allele origin: germline. Not counted in ClinVar's aggregate classification.

Department of Pathology and Laboratory Medicine, Sinai Health System
Classification: Benign for Carcinoma of colon. Review status: no assertion criteria provided. Collection method: clinical testing. Allele origin: unknown. Affected: yes. Study: The Canadian Open Genetics Repository (COGR). Not counted in ClinVar's aggregate classification.
Comment: The p.Glu1317Gln variant has been previously identified in the literature in 43/4470 (0.010) proband chromosomes and in 26/5002 (0.005) control chromosomes suggesting that this variant is a common variant observed 2 fold higher frequency in probands with attenuated FAP, FAP or multiple adenomas compared to controls (Aceto 2005, Curia 2012, Frayling 1998, Lamlum 2000, Plawski 2008, Azzopardi 2008, Hahnloser 2003, Liang 2013, Abdel-Malak 2015). One study demonstrated loss of heterozygosity in the colon cancer tumors in two individuals from the same family both retaining the variant, however segregation of this variant was not observed in two others with colorectal cancer in the same family and the although the family had multiple members affected with colon cancer their phenotypes were not consistent with FAP (White 1996). Further studies suggested the germline p.Glu1317Gln variant may provide a growth advantage for colorectal tumorigenesis when in combination with other weak mutant APC alleles (Dallosso 2009), but does not account for the occurrence of adenomas (Olschwang 2009 ). While some studies have suggested that the non-synonymous variant p.Glu1317Gln predisposes to multiple colorectal adenomas and CRCs (Lamlum 2000, Hahnloser 2003, Frayling 1998), other studies support a moderate increase in risk of CRC, or none ( Popat 2000, Zauber 2013, Rozek 2006). rnThe variant was identified in dbSNP (ID: rs1801166) â€šÃ„ÃºWith other alleleâ€šÃ„Ã¹, Clinvitae database (classified as benign and conflicting interpretations), COSMIC (in various tissues other than intestinal), InSiGHT Colon Cancer Gene Variant Database (LOVD), Zhejiang Colon Cancer Database (LOVD), ClinVar database (classifications: benign by Invitae, GeneDX, Emory Genetics, Biesecker Laboratory; uncertain significance by Mayo Clinic and Laboratory for Molecular Medicine Partners HealthCare Personalized Medicine; pathogenic by OMIM and GeneReviews; and classification not provided by ITMI), GeneInsight - COGR database (classified as uncertain significance by a clinical laboratory), and UMD (5x with a â€šÃ„Ãºneutralâ€šÃ„Ã¹ classification). The variant was identified by our laboratory in 6 individuals with colon or other cancers. The variant was identified in the 1000 Genomes Project in 15 of 5000 chromosomes (frequency: 0.003); HAPMAP-EUR in 6 of 1006 chromosomes (frequency: 0.006), HAPMAP-AFR in 4 of 1322 chromosomes (frequency: 0.003), HAPMAP-SAS in 3 of 978 chromosomes (frequency: 0.003); NHLBI Exome Sequencing Project (ESP) in 80 of 8600 European American (frequency 0.009) and in 28 of 4400 African American alleles (frequency 0.006); the Exome Aggregation Consortium (ExAC) database (released Jan 13, 2015) in 500 of 121152 chromosomes (frequency: 0.0.004) (or 382 European individuals, 6 of which are homozygotes, 48 African, 4 Other, 32 Latino, 31 South Asian, 3 European (Finnish), increasing the likelihood this could be a low frequency benign variant. The p.Glu1317 residue is mostly conserved in mammals with the variant amino acid Gln present in rat, and four out of five computational analyses (PolyPhen-2, SIFT, AlignGVGD, BLOSUM, MutationTaster) do not suggest a high likelihood of impact to the protein, increasing the likelihood that this variant does not have clinical significance; however, this information is not predictive enough to rule out pathogenicity. In summary, based on the above information, the clinical significance of this variant cannot be determined with certainty at this time although we would lean towards a more benign role for this variant. This variant is classified as benign.

GeneReviews
No classification provided. Condition: Familial adenomatous polyposis 1. Review status: no classification provided. Collection method: literature only. Allele origin: unknown. Not counted in ClinVar's aggregate classification.

Literature cited by the submitters: PubMed 24728327 (cited by 3 submitters); PubMed 27153395 (cited by Quest Diagnostics Nichols Institute San Juan Capistrano); PubMed 17119068 (cited by 3 submitters); PubMed 24599579 (cited by Quest Diagnostics Nichols Institute San Juan Capistrano); PubMed 15266213 (cited by Quest Diagnostics Nichols Institute San Juan Capistrano); PubMed 14578138 (cited by Quest Diagnostics Nichols Institute San Juan Capistrano and Laboratory for Molecular Medicine, Mass General Brigham Personalized Medicine); PubMed 19701947 (cited by Quest Diagnostics Nichols Institute San Juan Capistrano); PubMed 11001924 (cited by 4 submitters); PubMed 10737725 (cited by Quest Diagnostics Nichols Institute San Juan Capistrano); PubMed 12537656 (cited by Quest Diagnostics Nichols Institute San Juan Capistrano); PubMed 23846443 (cited by Quest Diagnostics Nichols Institute San Juan Capistrano); PubMed 26314409 (cited by Quest Diagnostics Nichols Institute San Juan Capistrano); PubMed 17920230 (cited by Quest Diagnostics Nichols Institute San Juan Capistrano and Pathway Genomics); PubMed 33352971 (cited by Quest Diagnostics Nichols Institute San Juan Capistrano); PubMed 12173026 (cited by Laboratory for Molecular Medicine, Mass General Brigham Personalized Medicine); PubMed 9724771 (cited by 4 submitters); PubMed 19474113 (cited by Laboratory for Molecular Medicine, Mass General Brigham Personalized Medicine); PubMed 24310308 (cited by Counsyl); PubMed 22875147 (cited by Counsyl); PubMed 18199528 (cited by Counsyl); PubMed 23576677 (cited by Counsyl and Pathway Genomics); PubMed 24416237 (cited by Counsyl); PubMed 18343606 (cited by Counsyl); PubMed 8834176 (cited by Pathway Genomics); PubMed 23159591 (cited by Pathway Genomics); PubMed 20301519 (cited by GeneReviews); NCBI Bookshelf NBK1345 (cited by GeneReviews).